The following is an entry in ClinVar:

ClinVar aggregate classification (germline): Conflicting classifications of pathogenicity. Review status: criteria provided, conflicting classifications (1 of 4 stars). 3 submissions from 3 submitters: Uncertain significance (1); Likely benign (2). Last evaluated 2025-10-20.

Conditions:
Glycogen storage disease, type VII (GSD7). Also called: GSD VII; PFKM DEFICIENCY; TARUI DISEASE; MUSCLE PHOSPHOFRUCTOKINASE DEFICIENCY. Identifiers: Orphanet 371, MedGen C0017926, MONDO:0009295, OMIM 232800.

Allele frequency attached by ClinVar (database versions not stated): gnomAD exomes 0.00001 and 0.00004; gnomAD 0.00002; TOPMed 0.00004; ExAC 0.00006.
gnomAD v4.1: 14 of 1,601,580 alleles (0.00087%); highest among the groups gnomAD compares: Admixed American, 0.023%; no homozygotes.

Submissions (3):

Mayo Clinic Laboratories, Mayo Clinic
Classification: Likely benign. Last evaluated: 2025-10-20. Review status: criteria provided, single submitter. Criteria: ACMG Guidelines, 2015. Collection method: clinical testing. Allele origin: germline. Observed: 1 variant allele.

Labcorp Genetics (formerly Invitae), Labcorp
Classification: Uncertain significance for Glycogen storage disease, type VII. Last evaluated: 2022-03-10. Review status: criteria provided, single submitter. Criteria: Invitae Variant Classification Sherloc (09022015). Collection method: clinical testing. Allele origin: germline.
Comment: This sequence change falls in intron 13 of the PFKM gene. It does not directly change the encoded amino acid sequence of the PFKM protein. It affects a nucleotide within the consensus splice site. This variant is present in population databases (rs779486374, gnomAD 0.03%). This variant has not been reported in the literature in individuals affected with PFKM-related conditions. ClinVar contains an entry for this variant (Variation ID: 518010). Variants that disrupt the consensus splice site are a relatively common cause of aberrant splicing (PMID: 17576681, 9536098). Algorithms developed to predict the effect of sequence changes on RNA splicing suggest that this variant is not likely to affect RNA splicing. In summary, the available evidence is currently insufficient to determine the role of this variant in disease. Therefore, it has been classified as a Variant of Uncertain Significance.

GeneDx
Classification: Likely benign. Last evaluated: 2017-06-22. Review status: criteria provided, single submitter. Criteria: GeneDx Variant Classification (06012015). Collection method: clinical testing. Allele origin: germline. Affected: yes.
Comment: This variant is considered likely benign or benign based on one or more of the following criteria: it is a conservative change, it occurs at a poorly conserved position in the protein, it is predicted to be benign by multiple in silico algorithms, and/or has population frequency not consistent with disease.

Literature cited by the submitters: PubMed 17576681 (cited by Labcorp Genetics (formerly Invitae), Labcorp); PubMed 9536098 (cited by Labcorp Genetics (formerly Invitae), Labcorp).

NM_000289.6(PFKM):c.1191+6G>T

Gene: PFKM (phosphofructokinase, muscle; plus strand). Cytogenetic location: 12q13.11.
Variant type: single nucleotide variant.
Coding change: c.1191+6G>T on transcript NM_000289.6 (MANE Select); 6 bases into the intron after coding-DNA position 1191, G replaced by T.
Molecular consequence: intron variant.
Genome position (GRCh38, 1-based): chr12:48,139,918, G>T. VCF-style: chr12-48139918-G-T. GRCh37 (hg19) VCF-style: chr12-48533701-G-T.
Other names: p.?; c.1215+6G>T (NM_001354741.2); c.1191+6G>T (NM_001354742.2, NM_001354743.2, NM_001354744.2 and 2 more transcripts); c.1041+6G>T (NM_001354747.2, NM_001354748.2); c.1404+6G>T (NM_001166686.2, NM_001354737.1, NM_001354739.1 and 1 more transcripts); c.1500+6G>T (NM_001354736.1, NM_001354735.1); c.1335+6G>T (NM_001354740.1); c.1104+6G>T (NM_001354745.2); and 2 more.
Identifiers: ClinVar variation 518010 (VCV000518010.4), dbSNP rs779486374, ClinGen allele CA6537258.